The following is an entry in ClinVar:

NM_002474.3(MYH11):c.3249G>A (p.Met1083Ile)

Gene: MYH11 (myosin heavy chain 11; minus strand). Cytogenetic location: 16p13.11.
Variant type: single nucleotide variant.
Coding change: c.3249G>A on transcript NM_002474.3 (MANE Select); coding-DNA position 3249, G replaced by A.
Protein change: p.Met1083Ile; replaces methionine 1083 with isoleucine.
Molecular consequence: missense variant.
Genome position (GRCh38, 1-based): chr16:15,737,493, C>T on the plus strand (G>A on the coding strand, the complement: MYH11 is on the minus strand). VCF-style: chr16-15737493-C-T. GRCh37 (hg19) VCF-style: chr16-15831350-C-T.
Other names: c.3270G>A, p.Met1090Ile (NM_001040113.2, NM_001040114.2); c.3249G>A, p.Met1083Ile (NM_022844.3); c.3249G>A (NM_002474.2); short protein forms M1083I, M1090I.
Identifiers: ClinVar variation 1060833 (VCV001060833.10), dbSNP rs2151244102, ClinGen allele CA394862895.
Genomic context (GRCh38, chr16:15,737,493, plus strand): 5'-TTGCCAGCCCCGCTACCTGGCCAGGGCCGCCTGCAGCTCCTCCTCCTTCTTGGCCAGCTG[C>T]ATCTTGAGCTCTGCGATCTGCGCCTGGAGGTCAGCGATCTGCTCGTGGAAGTCGCTGGCA-3'
Protein context (NP_002465.1, residues 1073-1093): DLQAQIAELK[Met1083Ile]QLAKKEEELQ

ClinVar aggregate classification (germline): Uncertain significance. Review status: criteria provided, multiple submitters, no conflicts (2 of 4 stars). 2 submissions from 2 submitters: Uncertain significance (2). Last evaluated 2026-07-02.

Conditions:
Familial thoracic aortic aneurysm and aortic dissection (TAAD). Also called: Thoracic aortic aneurysms and dissections. Identifiers: Orphanet 91387, MedGen C4707243, MONDO:0019625.
Aortic aneurysm, familial thoracic 4 (AAT4). Also called: AORTIC ANEURYSM/AORTIC DISSECTION AND PATENT DUCTUS ARTERIOSUS. Identifiers: MedGen C1851504, MONDO:0007568, OMIM 132900.

Submissions (2):

Ambry Genetics
Classification: Uncertain significance for Familial thoracic aortic aneurysm and aortic dissection. Last evaluated: 2026-07-02. Review status: criteria provided, single submitter. Criteria: Ambry Variant Classification Scheme 2023. Collection method: clinical testing. Allele origin: germline.
Comment: The p.M1083I variant (also known as c.3249G>A), located in coding exon 24 of the MYH11 gene, results from a G to A substitution at nucleotide position 3249. The methionine at codon 1083 is replaced by isoleucine, an amino acid with highly similar properties. This amino acid position is conserved. In addition, this alteration is predicted to be tolerated by in silico analysis. Based on the available evidence, the clinical significance of this variant remains unclear.

Labcorp Genetics (formerly Invitae), Labcorp
Classification: Uncertain significance for Aortic aneurysm, familial thoracic 4. Last evaluated: 2020-10-28. Review status: criteria provided, single submitter. Criteria: Invitae Variant Classification Sherloc (09022015). Collection method: clinical testing. Allele origin: germline.
Comment: This sequence change replaces methionine with isoleucine at codon 1090 of the MYH11 protein (p.Met1090Ile). The methionine residue is highly conserved and there is a small physicochemical difference between methionine and isoleucine. Algorithms developed to predict the effect of missense changes on protein structure and function (SIFT, PolyPhen-2, Align-GVGD) all suggest that this variant is likely to be tolerated, but these predictions have not been confirmed by published functional studies and their clinical significance is uncertain. This variant has not been reported in the literature in individuals with MYH11-related conditions. This variant is not present in population databases (ExAC no frequency). In summary, the available evidence is currently insufficient to determine the role of this variant in disease. Therefore, it has been classified as a Variant of Uncertain Significance.